The following is an entry in ClinVar:

ClinVar aggregate classification (germline): Benign (0 of 4 stars; one submission).

Conditions:
AKR1D1-related disorder. Also called: AKR1D1-related condition.

Submission:

PreventionGenetics, part of Exact Sciences
Classification: Benign for AKR1D1-related condition. Last evaluated: 2019-08-13. Review status: no assertion criteria provided. Collection method: clinical testing. Allele origin: germline.
Comment: This variant is classified as benign based on ACMG/AMP sequence variant interpretation guidelines (Richards et al. 2015 PMID: 25741868, with internal and published modifications).

NM_005989.4(AKR1D1):c.379-6_379-4del

Gene: AKR1D1 (aldo-keto reductase family 1 member D1; plus strand). Cytogenetic location: 7q33.
Variant type: Deletion.
Coding change: c.379-6_379-4del on transcript NM_005989.4 (MANE Select); 6 bases into the intron before coding-DNA position 379 through 4 bases into the intron before coding-DNA position 379, 3 bases deleted (TTT; older notation c.379-6_379-4delTTT).
Molecular consequence: intron variant.
Genome position (GRCh38, 1-based): chr7:138,097,860-138,097,862, TTT deleted; deleting any 3 consecutive bases within chr7:138,097,848-138,097,862 gives the same sequence; the c. name uses the placement nearest the transcript's 3' end. VCF-style (leftmost placement, unchanged base first): chr7-138097847-CTTT-C. GRCh37 (hg19) VCF-style: chr7-137782593-CTTT-C.
Other names: c.379-6_379-4del (NM_001190907.2, NM_001190906.2).
Identifiers: ClinVar variation 3056985 (VCV003056985.2), dbSNP rs35402657, ClinGen allele CA4502673.